The following is an entry in ClinVar:

NM_000132.4(F8):c.5819T>C (p.Ile1940Thr)

Gene: F8 (coagulation factor VIII; minus strand). Cytogenetic location: Xq28.
Variant type: single nucleotide variant.
Coding change: c.5819T>C on transcript NM_000132.4 (MANE Select); coding-DNA position 5819, T replaced by C.
Protein change: p.Ile1940Thr; replaces isoleucine 1940 with threonine.
Molecular consequence: missense variant.
Genome position (GRCh38, 1-based): chrX:154,904,085, A>G on the plus strand (T>C on the coding strand, the complement: F8 is on the minus strand). VCF-style: chrX-154904085-A-G. GRCh37 (hg19) VCF-style: chrX-154132360-A-G.
Other names: short protein forms I1940T.
Identifiers: ClinVar variation 3766876 (VCV003766876.1).
Genomic context (GRCh38, chrX:154,904,085, plus strand): 5'-CGAATCCTTTGATCCTGAGCCATTACTAAGCCAGGTAGTGTATCCATTATGTAGCCATTG[A>G]TTGCTGGAGAAGGACACAGAGAAGCCTGTTAAAATCTATTATATAAGTTTCTTTCTCTCC-3'
Protein context (NP_000123.1, residues 1930-1950): TFKENYRFHA[Ile1940Thr]NGYIMDTLPG

ClinVar aggregate classification (germline): Uncertain significance (1 of 4 stars; one submission).

gnomAD v4.1: 2 of 1,210,986 alleles (0.00017%); highest among the groups gnomAD compares: East Asian, 0.0059%; no homozygotes.

Submission:

ARUP Laboratories, Molecular Genetics and Genomics, ARUP Laboratories
Classification: Uncertain significance. Last evaluated: 2024-01-02. Review status: criteria provided, single submitter. Criteria: ARUP Molecular Germline Variant Investigation Process 2024. Collection method: clinical testing. Allele origin: germline.
Comment: The F8 c.5819T>C; p.Ile1940Thr variant is reported in the literature in individuals affected with hemophilia A (Chen 2021, Li 2020). This variant is only observed on one allele in the Genome Aggregation Database (v2.1.1), indicating it is not a common polymorphism. Computational analyses predict that this variant is deleterious (REVEL: 0.931). However, given the limited clinical data and lack of functional data, the significance of this variant is uncertain at this time. References: Chen J et al. The spectrum of FVIII gene variants detected by next generation sequencing in 236 Chinese non-inversion hemophilia A pedigrees. Thromb Res. 2021 Jun;202:8-13. PMID: 33706050. Li Q et al. Target capture next-generation sequencing in non-inversion haemophilia: an alternative approach. Br J Haematol. 2020 May;189(4):e168-e170. PMID: 32190902.